The following is an entry in ClinVar:

NM_002292.4(LAMB2):c.4121C>T (p.Ala1374Val)

Gene: LAMB2 (laminin subunit beta 2; minus strand). Cytogenetic location: 3p21.31.
Variant type: single nucleotide variant.
Coding change: c.4121C>T on transcript NM_002292.4 (MANE Select); coding-DNA position 4121, C replaced by T.
Protein change: p.Ala1374Val; replaces alanine 1374 with valine.
Molecular consequence: missense variant.
Genome position (GRCh38, 1-based): chr3:49,123,235, G>A on the plus strand (C>T on the coding strand, the complement: LAMB2 is on the minus strand). VCF-style: chr3-49123235-G-A. GRCh37 (hg19) VCF-style: chr3-49160668-G-A.
Other names: p.Ala1374Val; short protein forms A1374V.
Identifiers: ClinVar variation 4540873 (VCV004540873.1).

ClinVar aggregate classification (germline): Uncertain significance (1 of 4 stars; one submission).

gnomAD v4.1: 1 of 1,613,914 alleles (0.000062%); highest among the groups gnomAD compares: Non-Finnish European, 0.000085%; no homozygotes.

Submission:

Mayo Clinic Laboratories, Mayo Clinic
Classification: Uncertain significance. Last evaluated: 2025-10-22. Review status: criteria provided, single submitter. Criteria: ACMG Guidelines, 2015. Collection method: clinical testing. Allele origin: germline. Observed: 1 variant allele.
Comment: BP4_moderate